The following is an entry in ClinVar:

NM_000214.3(JAG1):c.3007G>T (p.Glu1003Ter)

Gene: JAG1 (jagged canonical Notch ligand 1; minus strand). Cytogenetic location: 20p12.2.
Variant type: single nucleotide variant.
Coding change: c.3007G>T on transcript NM_000214.3 (MANE Select); coding-DNA position 3007, G replaced by T.
Protein change: p.Glu1003Ter; replaces glutamic acid 1003 with a stop codon.
Molecular consequence: nonsense.
Genome position (GRCh38, 1-based): chr20:10,641,154, C>A on the plus strand (G>T on the coding strand, the complement: JAG1 is on the minus strand). VCF-style: chr20-10641154-C-A. GRCh37 (hg19) VCF-style: chr20-10621802-C-A.
Other names: short protein forms E1003*.
Identifiers: ClinVar variation 1683768 (VCV001683768.3), dbSNP rs781509375, ClinGen allele CA408244474.

ClinVar aggregate classification (germline): Pathogenic. Review status: criteria provided, multiple submitters, no conflicts (2 of 4 stars). 2 submissions from 2 submitters: Pathogenic (2). Last evaluated 2021-05-13.

Conditions:
JAG1-related disorder. Also called: JAG1-related disorders; JAG1-related condition.
Alagille syndrome due to a JAG1 point mutation. Also called: HEPATIC DUCTULAR HYPOPLASIA, SYNDROMATIC; Alagille Syndrome 1; JAG1-Related Alagille Syndrome. Identifiers: Orphanet 261619, Orphanet 52, MedGen C1956125, MONDO:0016862, OMIM 118450.

Submissions (2):

Laboratorio de Genetica e Diagnostico Molecular, Hospital Israelita Albert Einstein
Classification: Pathogenic for Alagille syndrome due to a JAG1 point mutation. Last evaluated: 2021-05-13. Review status: criteria provided, single submitter. Criteria: ACMG Guidelines, 2015. Collection method: clinical testing. Allele origin: germline. Affected: yes.
Comment: ACMG classification criteria: PVS1 very strong, PS3 supporting, PS4 supporting, PM2 moderate, PM6 supporting

Blueprint Genetics
Classification: Pathogenic for JAG1-related disorders. Last evaluated: 2020-08-03. Review status: criteria provided, single submitter. Criteria: ACMG Guidelines, 2015. Collection method: clinical testing. Allele origin: germline. Affected: yes. Observed: 1 variant allele.